The following is an entry in ClinVar:

ClinVar aggregate classification (germline): Uncertain significance (1 of 4 stars; one submission).

Allele frequency attached by ClinVar (database versions not stated): gnomAD 0.00004; TOPMed 0.00005; ExAC 0.00006; ESP Exome Variant Server 0.00008; 1000 Genomes Project 30x 0.00016; 1000 Genomes Project 0.00020.
gnomAD v4.1: 70 of 1,614,166 alleles (0.0043%); highest among the groups gnomAD compares: Middle Eastern, 0.033%; 1 homozygote.

Submission:

Labcorp Genetics (formerly Invitae), Labcorp
Classification: Uncertain significance. Last evaluated: 2025-09-04. Review status: criteria provided, single submitter. Criteria: Invitae Variant Classification Sherloc (09022015). Collection method: clinical testing. Allele origin: germline.
Comment: This sequence change creates a premature translational stop signal (p.Arg1036*) in the DSG1 gene. While this is not anticipated to result in nonsense mediated decay, it is expected to disrupt the last 14 amino acid(s) of the DSG1 protein. This variant is present in population databases (rs144199555, gnomAD 0.01%). This variant has not been reported in the literature in individuals affected with DSG1-related conditions. ClinVar contains an entry for this variant (Variation ID: 2177650). Experimental studies and prediction algorithms are not available or were not evaluated, and the functional significance of this variant is currently unknown. In summary, the available evidence is currently insufficient to determine the role of this variant in disease. Therefore, it has been classified as a Variant of Uncertain Significance.

NM_001942.4(DSG1):c.3106C>T (p.Arg1036Ter)

Genes: DSG1 (desmoglein 1; plus strand), DSG1-AS1 (DSG1 antisense RNA 1; minus strand). Cytogenetic location: 18q12.1.
Variant type: single nucleotide variant.
Coding change: c.3106C>T on transcript NM_001942.4 (MANE Select); coding-DNA position 3106, C replaced by T.
Protein change: p.Arg1036Ter; replaces arginine 1036 with a stop codon.
Molecular consequence: nonsense.
Genome position (GRCh38, 1-based): chr18:31,355,302, C>T. VCF-style: chr18-31355302-C-T. GRCh37 (hg19) VCF-style: chr18-28935265-C-T.
Other names: short protein forms R1036*.
Identifiers: ClinVar variation 2177650 (VCV002177650.4), dbSNP rs144199555, ClinGen allele CA8926521.